The following is an entry in ClinVar:

ClinVar aggregate classification (germline): Uncertain significance. Review status: criteria provided, multiple submitters, no conflicts (2 of 4 stars). 2 submissions from 2 submitters: Uncertain significance (2). Last evaluated 2025-04-01.

Conditions:
Hereditary cancer-predisposing syndrome. Also called: Neoplastic Syndromes, Hereditary; Hereditary Cancer Syndrome; Hereditary neoplastic syndrome; Tumor predisposition. Identifiers: Orphanet 140162, MedGen C0027672, MeSH D009386, MONDO:0015356.

gnomAD v4.1: 2 of 1,613,736 alleles (0.00012%); highest among the groups gnomAD compares: Admixed American, 0.0033%; no homozygotes.

Submissions (2):

Labcorp Genetics (formerly Invitae), Labcorp
Classification: Uncertain significance. Last evaluated: 2025-04-01. Review status: criteria provided, single submitter. Criteria: Invitae Variant Classification Sherloc (09022015). Collection method: clinical testing. Allele origin: germline.
Comment: This sequence change replaces serine, which is neutral and polar, with proline, which is neutral and non-polar, at codon 258 of the NTHL1 protein (p.Ser258Pro). This variant is present in population databases (rs199698117, gnomAD 0.006%). This variant has not been reported in the literature in individuals affected with NTHL1-related conditions. ClinVar contains an entry for this variant (Variation ID: 2565701). An algorithm developed to predict the effect of missense changes on protein structure and function (PolyPhen-2) suggests that this variant is likely to be disruptive. In summary, the available evidence is currently insufficient to determine the role of this variant in disease. Therefore, it has been classified as a Variant of Uncertain Significance.

Ambry Genetics
Classification: Uncertain significance for Hereditary cancer-predisposing syndrome. Last evaluated: 2023-05-27. Review status: criteria provided, single submitter. Criteria: Ambry Variant Classification Scheme 2023. Collection method: clinical testing. Allele origin: germline.
Comment: The p.S258P variant (also known as c.772T>C), located in coding exon 5 of the NTHL1 gene, results from a T to C substitution at nucleotide position 772. The serine at codon 258 is replaced by proline, an amino acid with similar properties. This amino acid position is conserved. In addition, this alteration is predicted to be tolerated by in silico analysis. Since supporting evidence is limited at this time, the clinical significance of this alteration remains unclear.

NM_002528.7(NTHL1):c.748T>C (p.Ser250Pro)

Gene: NTHL1 (nth like DNA glycosylase 1; minus strand). Cytogenetic location: 16p13.3.
Variant type: single nucleotide variant.
Coding change: c.748T>C on transcript NM_002528.7 (MANE Select); coding-DNA position 748, T replaced by C.
Protein change: p.Ser250Pro; replaces serine 250 with proline.
Molecular consequence: missense variant.
Genome position (GRCh38, 1-based): chr16:2,040,176, A>G on the plus strand (T>C on the coding strand, the complement: NTHL1 is on the minus strand). VCF-style: chr16-2040176-A-G. GRCh37 (hg19) VCF-style: chr16-2090177-A-G.
Other names: c.418T>C, p.Ser140Pro (NM_001318194.2); c.577T>C, p.Ser193Pro (NM_001318193.2); short protein forms S250P, S140P, S193P.
Identifiers: ClinVar variation 2565701 (VCV002565701.5), dbSNP rs199698117, ClinGen allele CA7828129.